The following is an entry in ClinVar:

ClinVar aggregate classification (germline): Uncertain significance (1 of 4 stars; one submission).

Conditions:
ABCB4-related disorder. Also called: ABCB4-related disorders; ABCB4-related condition.

Submission:

PreventionGenetics, part of Exact Sciences
Classification: Uncertain significance for ABCB4-related condition. Last evaluated: 2025-06-04. Review status: criteria provided, single submitter. Criteria: ACMG Guidelines, 2015. Collection method: clinical testing. Allele origin: germline.
Comment: The ABCB4 c.835T>A variant is predicted to result in the amino acid substitution p.Tyr279Asn. To our knowledge, this variant has not been reported in the literature or in a large population database (gnomAD), indicating this variant is rare. At this time, the clinical significance of this variant is uncertain due to the absence of conclusive functional and genetic evidence.

NM_000443.4(ABCB4):c.835T>A (p.Tyr279Asn)

Gene: ABCB4 (ATP binding cassette subfamily B member 4; minus strand). Cytogenetic location: 7q21.12.
Variant type: single nucleotide variant.
Coding change: c.835T>A on transcript NM_000443.4 (MANE Select); coding-DNA position 835, T replaced by A.
Protein change: p.Tyr279Asn; replaces tyrosine 279 with asparagine.
Molecular consequence: missense variant.
Genome position (GRCh38, 1-based): chr7:87,447,204, A>T on the plus strand (T>A on the coding strand, the complement: ABCB4 is on the minus strand). VCF-style: chr7-87447204-A-T. GRCh37 (hg19) VCF-style: chr7-87076520-A-T.
Other names: c.835T>A, p.Tyr279Asn (NM_018849.3, NM_018850.3); short protein forms Y279N.
Identifiers: ClinVar variation 5000236 (VCV005000236.1).
Genomic context (GRCh38, chr7:87,447,204, plus strand): 5'-TGTTTGCTGAAATAGCTTTTTTAATTCCAATCTCTTTGGCATTTTCTAAATGTTTCTGAT[A>T]CCTACCAGAAAAATGAGAGGGAAAACATTATAATTAAGAATAACAATCCATAGTCCGAGT-3'
Protein context (NP_000434.1, residues 269-289): FGGQNKELER[Tyr279Asn]QKHLENAKEI